The following is an entry in ClinVar:

ClinVar aggregate classification (germline): Uncertain significance (1 of 4 stars; one submission).

Allele frequency attached by ClinVar (database versions not stated): gnomAD exomes 0.00002 and 0.00008; ExAC 0.00010; 1000 Genomes Project 30x 0.00016; gnomAD 0.00033; ESP Exome Variant Server 0.00038; TOPMed 0.00038.
gnomAD v4.1: 98 of 1,608,558 alleles (0.0061%); highest among the groups gnomAD compares: African/African-American, 0.099%; no homozygotes.

Submission:

Labcorp Genetics (formerly Invitae), Labcorp
Classification: Uncertain significance. Last evaluated: 2022-08-23. Review status: criteria provided, single submitter. Criteria: Invitae Variant Classification Sherloc (09022015). Collection method: clinical testing. Allele origin: germline.
Comment: This sequence change replaces glutamic acid, which is acidic and polar, with glycine, which is neutral and non-polar, at codon 235 of the CEP135 protein (p.Glu235Gly). This variant is present in population databases (rs146684547, gnomAD 0.1%). This variant has not been reported in the literature in individuals affected with CEP135-related conditions. ClinVar contains an entry for this variant (Variation ID: 1391965). Algorithms developed to predict the effect of missense changes on protein structure and function are either unavailable or do not agree on the potential impact of this missense change (SIFT: "Deleterious"; PolyPhen-2: "Possibly Damaging"; Align-GVGD: "Class C0"). In summary, the available evidence is currently insufficient to determine the role of this variant in disease. Therefore, it has been classified as a Variant of Uncertain Significance.

NM_025009.5(CEP135):c.704A>G (p.Glu235Gly)

Gene: CEP135 (centrosomal protein 135; plus strand). Cytogenetic location: 4q12.
Variant type: single nucleotide variant.
Coding change: c.704A>G on transcript NM_025009.5 (MANE Select); coding-DNA position 704, A replaced by G.
Protein change: p.Glu235Gly; replaces glutamic acid 235 with glycine.
Molecular consequence: missense variant.
Genome position (GRCh38, 1-based): chr4:55,964,278, A>G. VCF-style: chr4-55964278-A-G. GRCh37 (hg19) VCF-style: chr4-56830444-A-G.
Other names: short protein forms E235G.
Identifiers: ClinVar variation 1391965 (VCV001391965.3), dbSNP rs146684547, ClinGen allele CA2927652.